The following is an entry in ClinVar:

ClinVar aggregate classification (germline): Uncertain significance (1 of 4 stars; one submission).

Allele frequency attached by ClinVar (database versions not stated): gnomAD exomes below 0.00001 and 0.00001; ExAC 0.00001; gnomAD 0.00003; TOPMed 0.00003; ESP Exome Variant Server 0.00009.
gnomAD v4.1: 4 of 1,205,894 alleles (0.00033%); highest among the groups gnomAD compares: African/African-American, 0.007%; no homozygotes.

Submission:

GeneDx
Classification: Uncertain significance. Last evaluated: 2024-05-30. Review status: criteria provided, single submitter. Criteria: GeneDx Variant Classification Process June 2021. Collection method: clinical testing. Allele origin: germline. Affected: yes.
Comment: Has not been previously published as pathogenic or benign to our knowledge; In silico analysis suggests this variant may impact gene splicing. In the absence of RNA/functional studies, the actual effect of this sequence change is unknown.

NM_012310.5(KIF4A):c.778+5G>A

Gene: KIF4A (kinesin family member 4A; plus strand). Cytogenetic location: Xq13.1.
Variant type: single nucleotide variant.
Coding change: c.778+5G>A on transcript NM_012310.5 (MANE Select); 5 bases into the intron after coding-DNA position 778, G replaced by A.
Molecular consequence: intron variant.
Genome position (GRCh38, 1-based): chrX:70,302,403, G>A. VCF-style: chrX-70302403-G-A. GRCh37 (hg19) VCF-style: chrX-69522253-G-A.
Identifiers: ClinVar variation 1312821 (VCV001312821.3), dbSNP rs373508945, ClinGen allele CA10441025.